The following is an entry in ClinVar:

NM_013275.6(ANKRD11):c.6165del (p.Tyr2056fs)

Gene: ANKRD11 (ankyrin repeat domain containing 11; minus strand). Cytogenetic location: 16q24.3.
Variant type: Deletion.
Coding change: c.6165del on transcript NM_013275.6 (MANE Select); coding-DNA position 6165, one base deleted (C; older notation c.6165delC).
Protein change: p.Tyr2056fs; shifts the reading frame from tyrosine 2056.
Molecular consequence: frameshift variant.
Genome position (GRCh38, 1-based): chr16:89,280,377, G deleted on the plus strand (C on the coding strand, the reverse complement: ANKRD11 is on the minus strand); the first of 3 consecutive G bases (chr16:89,280,377-89,280,379); deleting any one gives the same sequence. VCF-style (leftmost placement, unchanged base first): chr16-89280376-AG-A. GRCh37 (hg19) VCF-style: chr16-89346784-AG-A.
Other names: c.6165del, p.Tyr2056fs (NM_001256182.2, NM_001256183.2); short protein forms Y2056fs.
Identifiers: ClinVar variation 817722 (VCV000817722.1), dbSNP rs1597440638, ClinGen allele CA915949410.
Genomic context (GRCh38, chr16:89,280,376, plus strand): 5'-GGGCTTCCGGAAGTGACTTGCAGTTGCTGAAGAAGGACTCCAGCCCGGAGGGAGGGGCGT[AG>A]GGAGCCGCCTCTGAGGTGGAGATGGCGGCGGGGACGGCGTCCACTCCGTCCTTGACGTCC-3'

ClinVar aggregate classification (germline): Pathogenic (1 of 4 stars; one submission).

Submission:

GeneDx
Classification: Pathogenic. Last evaluated: 2018-07-05. Review status: criteria provided, single submitter. Criteria: GeneDx Variant Classification (06012015). Collection method: clinical testing. Allele origin: germline. Affected: yes.
Comment: The c.6165delC variant in the ANKRD11 gene has not been reported previously as a pathogenic variant nor as a benign variant, to our knowledge. The c.6165delC variant causes a frameshift starting with codon Tyrosine 2056, changes this amino acid to a Threonine residue, and creates a premature Stop codon at position 31 of the new reading frame, denoted p.Tyr2056ThrfsX31. This variant is predicted to cause loss of normal protein function either through protein truncation or nonsense-mediated mRNA decay. The c.6165delC variant is not observed in large population cohorts (Lek et al., 2016).